The following is an entry in ClinVar:

ClinVar aggregate classification (germline): Pathogenic/Likely pathogenic. Review status: criteria provided, multiple submitters, no conflicts (2 of 4 stars). 2 submissions from 2 submitters: Pathogenic (1); Likely pathogenic (1). Last evaluated 2024-08-01.

Submissions (2):

CeGaT Center for Human Genetics Tuebingen
Classification: Likely pathogenic. Last evaluated: 2024-08-01. Review status: criteria provided, single submitter. Criteria: CeGaT Center For Human Genetics Tuebingen Variant Classification Criteria Version 2. Collection method: clinical testing. Allele origin: germline. Affected: yes. Observed: 4 variant alleles.
Comment: HPS6: PVS1:Strong, PM2, PM3

Labcorp Genetics (formerly Invitae), Labcorp
Classification: Pathogenic. Last evaluated: 2023-12-02. Review status: criteria provided, single submitter. Criteria: Invitae Variant Classification Sherloc (09022015). Collection method: clinical testing. Allele origin: germline.
Comment: This sequence change creates a premature translational stop signal (p.Arg352Glyfs*14) in the HPS6 gene. While this is not anticipated to result in nonsense mediated decay, it is expected to disrupt the last 424 amino acid(s) of the HPS6 protein. This variant is not present in population databases (gnomAD no frequency). This variant has not been reported in the literature in individuals affected with HPS6-related conditions. ClinVar contains an entry for this variant (Variation ID: 2003376). This variant disrupts a region of the HPS6 protein in which other variant(s) (p.Gln680*) have been determined to be pathogenic (PMID: 27225848). This suggests that this is a clinically significant region of the protein, and that variants that disrupt it are likely to be disease-causing. For these reasons, this variant has been classified as Pathogenic.

Literature cited by the submitters: PubMed 27225848 (cited by Labcorp Genetics (formerly Invitae), Labcorp).

NM_024747.6(HPS6):c.1054_1055del (p.Arg352fs)

Gene: HPS6 (HPS6 biogenesis of lysosomal organelles complex 2 subunit 3; plus strand). Cytogenetic location: 10q24.32.
Variant type: Deletion.
Coding change: c.1054_1055del on transcript NM_024747.6 (MANE Select); coding-DNA positions 1054 to 1055, 2 bases deleted (AG; older notation c.1054_1055delAG).
Protein change: p.Arg352fs; shifts the reading frame from arginine 352.
Molecular consequence: frameshift variant.
Genome position (GRCh38, 1-based): chr10:102,066,528-102,066,529, AG deleted. VCF-style (leftmost placement, unchanged base first): chr10-102066527-CAG-C. GRCh37 (hg19) VCF-style: chr10-103826284-CAG-C.
Other names: short protein forms R352fs.
Identifiers: ClinVar variation 2003376 (VCV002003376.26), dbSNP rs2540987497, ClinGen allele CA2580081253.